The following is an entry in ClinVar:

ClinVar aggregate classification (germline): Uncertain significance (1 of 4 stars; one submission).

Submission:

GeneDx
Classification: Uncertain significance. Last evaluated: 2022-06-03. Review status: criteria provided, single submitter. Criteria: GeneDx Variant Classification Process June 2021. Collection method: clinical testing. Allele origin: germline. Affected: yes.
Comment: Not observed at significant frequency in large population cohorts (gnomAD); In silico analysis supports that this missense variant has a deleterious effect on protein structure/function; Has not been previously published as pathogenic or benign to our knowledge

NM_017547.4(FOXRED1):c.464A>T (p.Asn155Ile)

Gene: FOXRED1 (FAD dependent oxidoreductase domain containing 1; plus strand). Cytogenetic location: 11q24.2.
Variant type: single nucleotide variant.
Coding change: c.464A>T on transcript NM_017547.4 (MANE Select); coding-DNA position 464, A replaced by T.
Protein change: p.Asn155Ile; replaces asparagine 155 with isoleucine.
Molecular consequence: missense variant. On other transcripts: non-coding transcript variant (2).
Genome position (GRCh38, 1-based): chr11:126,273,382, A>T. VCF-style: chr11-126273382-A-T. GRCh37 (hg19) VCF-style: chr11-126143277-A-T.
Other names: short protein forms N155I.
Identifiers: ClinVar variation 1801878 (VCV001801878.1), dbSNP rs552088922, ClinGen allele CA383229681.